The following is an entry in ClinVar:

ClinVar aggregate classification (germline): Pathogenic (1 of 4 stars; one submission).

Conditions:
Neurodevelopmental disorder with hypotonia and brain abnormalities. Identifiers: MedGen C5561977, MONDO:0859187, OMIM 619512.

Submission:

Mendelics
Classification: Pathogenic for Neurodevelopmental disorder with hypotonia and brain abnormalities. Last evaluated: 2026-03-05. Review status: criteria provided, single submitter. Criteria: ACMG Guidelines, 2015. Collection method: clinical testing. Allele origin: unknown.
Comment: Likely pathogenic/Pathogenic according to ACMG criteria.

NM_001829.4(CLCN3):c.925A>G (p.Lys309Glu)

Gene: CLCN3 (Cl-/H+ antiporter 3; plus strand). Cytogenetic location: 4q33.
Variant type: single nucleotide variant.
Coding change: c.925A>G on transcript NM_001829.4 (MANE Select); coding-DNA position 925, A replaced by G.
Protein change: p.Lys309Glu; replaces lysine 309 with glutamic acid.
Molecular consequence: missense variant.
Genome position (GRCh38, 1-based): chr4:169,692,309, A>G. VCF-style: chr4-169692309-A-G. GRCh37 (hg19) VCF-style: chr4-170613460-A-G.
Other names: c.925A>G, p.Lys309Glu (NM_001243372.2, NM_173872.4); c.844A>G, p.Lys282Glu (NM_001243374.2); short protein forms K282E, K309E.
Identifiers: ClinVar variation 4813604 (VCV004813604.1).